The following is an entry in ClinVar:

ClinVar aggregate classification (germline): Conflicting classifications of pathogenicity. Review status: criteria provided, conflicting classifications (1 of 4 stars). 4 submissions from 4 submitters: Uncertain significance (1); Likely benign (1). 2 of the submissions do not count toward it. Last evaluated 2026-01-28.

Conditions:
ASL-related disorder. Also called: ASL-related condition.
Argininosuccinate lyase deficiency. Also called: Argininosuccinic aciduria; ARGININOSUCCINIC ACID LYASE DEFICIENCY; ASL DEFICIENCY. Identifiers: Orphanet 23, MedGen C0268547, MONDO:0008815, OMIM 207900, HP:0025630.

Allele frequency attached by ClinVar (database versions not stated): 1000 Genomes Project 0.00080; 1000 Genomes Project 30x 0.00109; TOPMed 0.00123; ESP Exome Variant Server 0.00154.

Submissions (4):

Labcorp Genetics (formerly Invitae), Labcorp
Classification: Likely benign for Argininosuccinate lyase deficiency. Last evaluated: 2026-01-28. Review status: criteria provided, single submitter. Criteria: Invitae Variant Classification Sherloc (09022015). Collection method: clinical testing. Allele origin: germline.

Revvity Omics, Revvity
Classification: Uncertain significance for Argininosuccinate lyase deficiency. Last evaluated: 2020-12-14. Review status: criteria provided, single submitter. Criteria: ACMG Guidelines, 2015. Collection method: clinical testing. Allele origin: germline.

PreventionGenetics, part of Exact Sciences
Classification: Likely benign for ASL-related condition. Last evaluated: 2022-04-06. Review status: no assertion criteria provided. Collection method: clinical testing. Allele origin: germline. Not counted in ClinVar's aggregate classification.
Comment: This variant is classified as likely benign based on ACMG/AMP sequence variant interpretation guidelines (Richards et al. 2015 PMID: 25741868, with internal and published modifications).

Natera, Inc.
Classification: Likely benign for Argininosuccinate lyase deficiency. Last evaluated: 2020-04-15. Review status: no assertion criteria provided. Collection method: clinical testing. Allele origin: germline. Not counted in ClinVar's aggregate classification.

NM_000048.4(ASL):c.99C>G (p.His33Gln)

Gene: ASL (argininosuccinate lyase; plus strand). Cytogenetic location: 7q11.21.
Variant type: single nucleotide variant.
Coding change: c.99C>G on transcript NM_000048.4 (MANE Select); coding-DNA position 99, C replaced by G.
Protein change: p.His33Gln; replaces histidine 33 with glutamine.
Molecular consequence: missense variant.
Genome position (GRCh38, 1-based): chr7:66,081,889, C>G. VCF-style: chr7-66081889-C-G. GRCh37 (hg19) VCF-style: chr7-65546876-C-G.
Other names: c.99C>G, p.His33Gln (NM_001024943.2, NM_001024944.2, NM_001024946.2); short protein forms H33Q.
Identifiers: ClinVar variation 721020 (VCV000721020.17), dbSNP rs142077823, ClinGen allele CA4276829.